The following is an entry in ClinVar:

NM_000240.4(MAOA):c.402G>A (p.Met134Ile)

Gene: MAOA (monoamine oxidase A; plus strand). Cytogenetic location: Xp11.3.
Variant type: single nucleotide variant.
Coding change: c.402G>A on transcript NM_000240.4 (MANE Select); coding-DNA position 402, G replaced by A.
Protein change: p.Met134Ile; replaces methionine 134 with isoleucine.
Molecular consequence: missense variant. On other transcripts: initiator codon variant (1).
Genome position (GRCh38, 1-based): chrX:43,711,967, G>A. VCF-style: chrX-43711967-G-A. GRCh37 (hg19) VCF-style: chrX-43571214-G-A.
Other names: c.3G>A, p.Met1Ile (NM_001270458.2); c.402G>A (NM_000240.2); short protein forms M134I, M1I.
Identifiers: ClinVar variation 571290 (VCV000571290.10), dbSNP rs771740634, ClinGen allele CA10390768.
Genomic context (GRCh38, chrX:43,711,967, plus strand): 5'-AGTATGGAATCCCATTGCATATTTGGATTACAATAATCTGTGGAGGACAATAGATAACAT[G>A]GGGAAGGAGGTAAAATGTGTGTTCAGTTTGCACATGACCCATTACTGAAATAACAATGGC-3'
Protein context (NP_000231.1, residues 124-144): YNNLWRTIDN[Met134Ile]GKEIPTDAPW

ClinVar aggregate classification (germline): Uncertain significance. Review status: criteria provided, multiple submitters, no conflicts (2 of 4 stars). 2 submissions from 2 submitters: Uncertain significance (2). Last evaluated 2024-08-20.

Conditions:
Inborn genetic diseases. Identifiers: MedGen C0950123, MeSH D030342.
Brunner syndrome (BRNRS). Identifiers: Orphanet 3057, MedGen C0796275, MONDO:0010379, OMIM 300615.

Allele frequency attached by ClinVar (database versions not stated): gnomAD exomes below 0.00001 and 0.00001; ExAC 0.00002; gnomAD 0.00002; TOPMed 0.00002.

Submissions (2):

Ambry Genetics
Classification: Uncertain significance for Inborn genetic diseases. Last evaluated: 2024-08-20. Review status: criteria provided, single submitter. Criteria: Ambry Variant Classification Scheme 2023. Collection method: clinical testing. Allele origin: germline.

Labcorp Genetics (formerly Invitae), Labcorp
Classification: Uncertain significance for Brunner syndrome. Last evaluated: 2018-06-20. Review status: criteria provided, single submitter. Criteria: Invitae Variant Classification Sherloc (09022015). Collection method: clinical testing. Allele origin: germline.
Comment: This sequence change replaces methionine with isoleucine at codon 134 of the MAOA protein (p.Met134Ile). The methionine residue is moderately conserved and there is a small physicochemical difference between methionine and isoleucine. This variant is present in population databases (rs771740634, ExAC 0.004%). This variant has not been reported in the literature in individuals with MAOA-related disease. Algorithms developed to predict the effect of missense changes on protein structure and function (SIFT, PolyPhen-2, Align-GVGD) all suggest that this variant is likely to be tolerated, but these predictions have not been confirmed by published functional studies and their clinical significance is uncertain. In summary, the available evidence is currently insufficient to determine the role of this variant in disease. Therefore, it has been classified as a Variant of Uncertain Significance.